The following is an entry in ClinVar:

NM_133636.5(HELQ):c.53A>G (p.Asn18Ser)

Genes: HELQ (helicase, POLQ like; minus strand), LOC112997542 (Sharpr-MPRA regulatory region 5990; plus strand). Cytogenetic location: 4q21.23.
Variant type: single nucleotide variant.
Coding change: c.53A>G on transcript NM_133636.5 (MANE Select); coding-DNA position 53, A replaced by G.
Protein change: p.Asn18Ser; replaces asparagine 18 with serine.
Molecular consequence: missense variant. On other transcripts: 5 prime UTR variant (2), non-coding transcript variant (1).
Genome position (GRCh38, 1-based): chr4:83,455,641, T>C on the plus strand (A>G on the coding strand, the complement: HELQ is on the minus strand). VCF-style: chr4-83455641-T-C. GRCh37 (hg19) VCF-style: chr4-84376794-T-C.
Other names: c.53A>G, p.Asn18Ser (NM_001297755.2, NM_001297758.2, NM_001297759.2); c.-1452A>G (NM_001297756.2); c.-1482A>G (NM_001297757.2); short protein forms N18S.
Identifiers: ClinVar variation 782246 (VCV000782246.29), dbSNP rs141700135, ClinGen allele CA2990097.

ClinVar aggregate classification (germline): Benign/Likely benign. Review status: criteria provided, multiple submitters, no conflicts (2 of 4 stars). 4 submissions from 4 submitters: Benign (2); Likely benign (1). 1 of the submissions does not count toward it. Last evaluated 2022-10-01.

Conditions:
HELQ-related disorder. Also called: HELQ-related condition.

Allele frequency attached by ClinVar (database versions not stated): 1000 Genomes Project 0.00220; 1000 Genomes Project 30x 0.00250; TOPMed 0.00367; ExAC 0.00403; gnomAD exomes 0.00426 and 0.00617; gnomAD 0.00458 and 0.00471; ESP Exome Variant Server 0.00561.
gnomAD v4.1: 9,598 of 1,613,470 alleles (0.59%); highest among the groups gnomAD compares: Non-Finnish European, 0.71%; 46 homozygotes.

Submissions (4):

CeGaT Center for Human Genetics Tuebingen
Classification: Likely benign. Last evaluated: 2022-10-01. Review status: criteria provided, single submitter. Criteria: CeGaT Center For Human Genetics Tuebingen Variant Classification Criteria Version 2. Collection method: clinical testing. Allele origin: germline. Affected: yes. Observed: 2 variant alleles.
Comment: HELQ: BP4, BS2

Labcorp Genetics (formerly Invitae), Labcorp
Classification: Benign. Last evaluated: 2018-04-17. Review status: criteria provided, single submitter. Criteria: Invitae Variant Classification Sherloc (09022015). Collection method: clinical testing. Allele origin: germline.

Breakthrough Genomics
Classification: Benign. Review status: criteria provided, single submitter. Criteria: ACMG Guidelines, 2015. Collection method: not provided. Allele origin: germline. Inheritance: Unknown mechanism. Affected: yes.

PreventionGenetics, part of Exact Sciences
Classification: Benign for HELQ-related condition. Last evaluated: 2019-03-04. Review status: no assertion criteria provided. Collection method: clinical testing. Allele origin: germline. Not counted in ClinVar's aggregate classification.
Comment: This variant is classified as benign based on ACMG/AMP sequence variant interpretation guidelines (Richards et al. 2015 PMID: 25741868, with internal and published modifications).